The following is an entry in ClinVar:

ClinVar aggregate classification (germline): Uncertain significance. Review status: criteria provided, multiple submitters, no conflicts (2 of 4 stars). 7 submissions from 7 submitters: Uncertain significance (5). 2 of the submissions do not count toward it. Last evaluated 2026-01-19.

Conditions:
D-Glyceric aciduria. Also called: GLYCERATE KINASE DEFICIENCY; Deficiency of glycerate kinase. Identifiers: Orphanet 941, MedGen C0342765, MONDO:0009070, OMIM 220120.

Allele frequency attached by ClinVar (database versions not stated): gnomAD 0.00019; TOPMed 0.00026; gnomAD exomes 0.00027 and 0.00036; ExAC 0.00037.

Submissions (8):

Labcorp Genetics (formerly Invitae), Labcorp
Classification: Uncertain significance. Last evaluated: 2026-01-19. Review status: criteria provided, single submitter. Criteria: Invitae Variant Classification Sherloc (09022015). Collection method: clinical testing. Allele origin: germline.
Comment: This sequence change replaces asparagine, which is neutral and polar, with serine, which is neutral and polar, at codon 487 of the GLYCTK protein (p.Asn487Ser). This variant is present in population databases (rs767047161, gnomAD 0.07%). This variant has not been reported in the literature in individuals affected with GLYCTK-related conditions. ClinVar contains an entry for this variant (Variation ID: 252787). Invitae Evidence Modeling of protein sequence and biophysical properties (such as structural, functional, and spatial information, amino acid conservation, physicochemical variation, residue mobility, and thermodynamic stability) indicates that this missense variant is not expected to disrupt GLYCTK protein function with a negative predictive value of 80%. In summary, the available evidence is currently insufficient to determine the role of this variant in disease. Therefore, it has been classified as a Variant of Uncertain Significance.

GeneDx
Classification: Uncertain significance. Last evaluated: 2020-11-12. Review status: criteria provided, single submitter. Criteria: GeneDx Variant Classification Process June 2021. Collection method: clinical testing. Allele origin: germline. Affected: yes.
Comment: In silico analysis supports that this missense variant has a deleterious effect on protein structure/function; Has not been previously published as pathogenic or benign to our knowledge

Elsea Laboratory, Baylor College of Medicine
Classification: Uncertain significance for D-Glyceric aciduria. Last evaluated: 2020-04-01. Review status: criteria provided, single submitter. Criteria: ACMG Guidelines, 2015. Collection method: clinical testing. Allele origin: maternal. Affected: no.

Genomic Diagnostic Laboratory, Division of Genomic Diagnostics, Children's Hospital of Philadelphia
Classification: Uncertain significance. Last evaluated: 2015-09-02. Review status: criteria provided, single submitter. Criteria: DGD Variant Analysis Guidelines. Collection method: clinical testing. Allele origin: unknown.

Breakthrough Genomics
Classification: Uncertain significance. Review status: criteria provided, single submitter. Criteria: ACMG Guidelines, 2015. Collection method: not provided. Allele origin: germline. Inheritance: Autosomal recessive inheritance. Affected: yes.

Clinical Genetics DNA and cytogenetics Diagnostics Lab, Erasmus MC, Erasmus Medical Center
Classification: Uncertain significance. Review status: no assertion criteria provided. Collection method: clinical testing. Allele origin: germline. Affected: yes. Study: VKGL Data-share Consensus. Not counted in ClinVar's aggregate classification.

Diagnostic Laboratory, Department of Genetics, University Medical Center Groningen
Classification: Uncertain significance. Review status: no assertion criteria provided. Collection method: clinical testing. Allele origin: germline. Affected: yes. Study: VKGL Data-share Consensus. Not counted in ClinVar's aggregate classification.

Dr. Peter K. Rogan Lab, Western University
No classification provided (evidence only). Condition: Malignant tumor of urinary bladder. Review status: no classification provided. Collection method: in vitro. Allele origin: not applicable. Functional consequence: retained intron. Not counted in ClinVar's aggregate classification.

NM_145262.4(GLYCTK):c.1460A>G (p.Asn487Ser)

Gene: GLYCTK (glycerate kinase; plus strand). Cytogenetic location: 3p21.2.
Variant type: single nucleotide variant.
Coding change: c.1460A>G on transcript NM_145262.4 (MANE Select); coding-DNA position 1460, A replaced by G.
Protein change: p.Asn487Ser; replaces asparagine 487 with serine.
Molecular consequence: missense variant. On other transcripts: non-coding transcript variant (2).
Genome position (GRCh38, 1-based): chr3:52,293,014, A>G. VCF-style: chr3-52293014-A-G. GRCh37 (hg19) VCF-style: chr3-52327030-A-G.
Other names: short protein forms N487S.
Identifiers: ClinVar variation 252787 (VCV000252787.17), dbSNP rs767047161, ClinGen allele CA2432331.